The following is an entry in ClinVar:

NM_000059.4(BRCA2):c.5343_5344insA (p.Gln1782fs)

Gene: BRCA2 (BRCA2 DNA repair associated; plus strand). Cytogenetic location: 13q13.1.
Variant type: Insertion.
Coding change: c.5343_5344insA on transcript NM_000059.4 (MANE Select); coding-DNA positions 5343 to 5344, A inserted.
Protein change: p.Gln1782fs; shifts the reading frame from glutamine 1782.
Molecular consequence: frameshift variant.
Genome position: GRCh38 VCF-style: chr13-32339698-T-TA. GRCh37 (hg19) VCF-style: chr13-32913835-T-TA.
Other names: 5571insA; c.5343_5344insA, p.Gln1782Thrfs (NM_001406719.1, NM_001406720.1); short protein forms Q1782fs.
Identifiers: ClinVar variation 91412 (VCV000091412.9), dbSNP rs398122530, ClinGen allele CA022051.

ClinVar aggregate classification (germline): Pathogenic/Likely pathogenic. Review status: criteria provided, multiple submitters, no conflicts (2 of 4 stars). 4 submissions from 4 submitters: Pathogenic (2); Likely pathogenic (1). 1 of the submissions does not count toward it. Last evaluated 2024-07-17.

Conditions:
Breast-ovarian cancer, familial, susceptibility to, 2 (BROVCA2). Also called: BRCA2 Hereditary Breast and Ovarian Cancer. Identifiers: Orphanet 145, MedGen C2675520, MONDO:0012933, OMIM 612555. Disease mechanism: loss of function.
Hereditary breast ovarian cancer syndrome. Also called: Breast and ovarian cancer; Hereditary breast and ovarian cancer; Hereditary breast and ovarian cancer syndrome; BRCA1- and BRCA2-Associated Hereditary Breast and Ovarian Cancer; Hereditary breast and ovarian cancer syndrome (HBOC); Hereditary breast and/or ovarian cancer syndrome. Identifiers: Orphanet 145, MedGen C0677776, MeSH D061325, MONDO:0003582. Disease mechanism: loss of function.

Submissions (4):

Labcorp Genetics (formerly Invitae), Labcorp
Classification: Pathogenic for Hereditary breast ovarian cancer syndrome. Last evaluated: 2024-07-17. Review status: criteria provided, single submitter. Criteria: Invitae Variant Classification Sherloc (09022015). Collection method: clinical testing. Allele origin: germline.
Comment: This sequence change creates a premature translational stop signal (p.Gln1782Thrfs*5) in the BRCA2 gene. It is expected to result in an absent or disrupted protein product. Loss-of-function variants in BRCA2 are known to be pathogenic (PMID: 20104584). This variant is not present in population databases (gnomAD no frequency). This premature translational stop signal has been observed in individual(s) with familial breast or ovarian cancer (PMID: 23479189). ClinVar contains an entry for this variant (Variation ID: 91412). For these reasons, this variant has been classified as Pathogenic.

Women's Health and Genetics/Laboratory Corporation of America, LabCorp
Classification: Pathogenic for Hereditary breast ovarian cancer syndrome. Last evaluated: 2024-07-09. Review status: criteria provided, single submitter. Criteria: LabCorp Variant Classification Summary - May 2015. Collection method: clinical testing. Allele origin: germline.
Comment: Variant summary: BRCA2 c.5343_5344insA (p.Gln1782ThrfsX5) results in a premature termination codon, predicted to cause a truncation of the encoded protein or absence of the protein due to nonsense mediated decay, which are commonly known mechanisms for disease. The variant was absent in 250696 control chromosomes (gnomAD). Variants which result in similar protein level effect have been reported in the literature in individual(s) affected with Hereditary Breast and Ovarian Cancer Syndrome (e.g. de Juan Jimenez_2013). To our knowledge, no experimental evidence demonstrating an impact on protein function has been reported. The following publication have been ascertained in the context of this evaluation (PMID: 23479189). ClinVar contains an entry for this variant (Variation ID: 91412). Based on the evidence outlined above, the variant was classified as pathogenic.

Revvity Omics, Revvity
Classification: Likely pathogenic. Last evaluated: 2022-07-27. Review status: criteria provided, single submitter. Criteria: ACMG Guidelines, 2015. Collection method: clinical testing. Allele origin: germline.

Sharing Clinical Reports Project (SCRP)
Classification: Pathogenic for Breast-ovarian cancer, familial 2. Last evaluated: 2008-03-25. Review status: no assertion criteria provided. Collection method: clinical testing. Allele origin: germline. Not counted in ClinVar's aggregate classification.

Literature cited by the submitters: PubMed 20104584 (cited by Labcorp Genetics (formerly Invitae), Labcorp); PubMed 23479189 (cited by Labcorp Genetics (formerly Invitae), Labcorp and Women's Health and Genetics/Laboratory Corporation of America, LabCorp).